The following is an entry in ClinVar:

ClinVar aggregate classification (germline): Conflicting classifications of pathogenicity. Review status: criteria provided, conflicting classifications (1 of 4 stars). 3 submissions from 3 submitters: Uncertain significance (1); Likely benign (1). 1 of the submissions does not count toward it. Last evaluated 2024-04-01.

Conditions:
Autism spectrum disorder. Also called: Autism spectrum disorders. Identifiers: MedGen C1510586, MeSH D000067877, MONDO:0005258.
ASH1L-related disorder. Also called: ASH1L-related condition.

Allele frequency attached by ClinVar (database versions not stated): gnomAD exomes below 0.00001; ExAC 0.00001.
gnomAD v4.1: 3 of 1,613,446 alleles (0.00019%); highest among the groups gnomAD compares: Non-Finnish European, 0.00017%; no homozygotes.

Submissions (3):

CeGaT Center for Human Genetics Tuebingen
Classification: Uncertain significance. Last evaluated: 2024-04-01. Review status: criteria provided, single submitter. Criteria: CeGaT Center For Human Genetics Tuebingen Variant Classification Criteria Version 2. Collection method: clinical testing. Allele origin: germline. Affected: yes. Observed: 1 variant allele.
Comment: ASH1L: PM2, PP3

Department of Genetics, Rouen University Hospital, Normandy Center for Genomic and Personalized Medicine
Classification: Likely benign for Autism spectrum disorder. Last evaluated: 2022-08-08. Review status: criteria provided, single submitter. Criteria: ACMG Guidelines, 2015. Collection method: clinical testing. Allele origin: paternal. Affected: yes.

PreventionGenetics, part of Exact Sciences
Classification: Uncertain significance for ASH1L-related condition. Last evaluated: 2024-03-25. Review status: no assertion criteria provided. Collection method: clinical testing. Allele origin: germline. Not counted in ClinVar's aggregate classification.
Comment: The ASH1L c.6218G>A variant is predicted to result in the amino acid substitution p.Arg2073His. To our knowledge, this variant has not been reported in the literature or in a large population database, indicating this variant is rare. At this time, the clinical significance of this variant is uncertain due to the absence of conclusive functional and genetic evidence.

NM_018489.3(ASH1L):c.6218G>A (p.Arg2073His)

Gene: ASH1L (ASH1 like histone lysine methyltransferase; minus strand). Cytogenetic location: 1q22.
Variant type: single nucleotide variant.
Coding change: c.6218G>A on transcript NM_018489.3 (MANE Select); coding-DNA position 6218, G replaced by A.
Protein change: p.Arg2073His; replaces arginine 2073 with histidine.
Molecular consequence: missense variant.
Genome position (GRCh38, 1-based): chr1:155,378,508, C>T on the plus strand (G>A on the coding strand, the complement: ASH1L is on the minus strand). VCF-style: chr1-155378508-C-T. GRCh37 (hg19) VCF-style: chr1-155348299-C-T.
Other names: c.6218G>A (NM_018489.2); c.6233G>A, p.Arg2078His (NM_001366177.2); short protein forms R2073H, R2078H.
Identifiers: ClinVar variation 2429836 (VCV002429836.22), dbSNP rs376223781, ClinGen allele CA1146389.